The following is an entry in ClinVar:

ClinVar aggregate classification (germline): Likely benign (1 of 4 stars; one submission).

Conditions:
SPG7-related disorder. Also called: SPG7-related condition.

Submission:

PreventionGenetics, part of Exact Sciences
Classification: Likely benign for SPG7-related condition. Last evaluated: 2026-04-14. Review status: criteria provided, single submitter. Criteria: ACMG Guidelines, 2015. Collection method: clinical testing. Allele origin: germline.
Comment: This variant is classified as likely benign based on ACMG/AMP sequence variant interpretation guidelines (Richards et al. 2015 PMID: 25741868, with internal and published modifications).

NM_003119.4(SPG7):c.1324+4120T>C

Gene: SPG7 (SPG7 matrix AAA peptidase subunit, paraplegin; plus strand). Cytogenetic location: 16q24.3.
Variant type: single nucleotide variant.
Coding change: c.1324+4120T>C on transcript NM_003119.4 (MANE Select); 4120 bases into the intron after coding-DNA position 1324, T replaced by C.
Molecular consequence: intron variant.
Genome position (GRCh38, 1-based): chr16:89,536,756, T>C. VCF-style: chr16-89536756-T-C. GRCh37 (hg19) VCF-style: chr16-89603164-T-C.
Other names: c.1324+4120T>C (NM_001363850.1); c.1325-9T>C (NM_199367.3).
Identifiers: ClinVar variation 4977153 (VCV004977153.1).